The following is an entry in ClinVar:

NM_001042492.3(NF1):c.6925dup (p.Ser2309fs)

Gene: NF1 (neurofibromin 1; plus strand). Cytogenetic location: 17q11.2.
Variant type: Duplication.
Coding change: c.6925dup on transcript NM_001042492.3 (MANE Select); coding-DNA position 6925, one base duplicated (T; older notation c.6925dupT).
Protein change: p.Ser2309fs; shifts the reading frame from serine 2309.
Molecular consequence: frameshift variant.
Genome position (GRCh38, 1-based): chr17:31,340,508, T duplicated. VCF-style (leftmost placement, unchanged base first): chr17-31340507-C-CT. GRCh37 (hg19) VCF-style: chr17-29667525-C-CT.
Other names: c.6862dup, p.Ser2288Phefs (NM_000267.4); short protein forms S2288fs, S2309fs.
Identifiers: ClinVar variation 962768 (VCV000962768.6), dbSNP rs2069789572, ClinGen allele CA1139665462.

ClinVar aggregate classification (germline): Pathogenic (1 of 4 stars; one submission).

Conditions:
Neurofibromatosis, type 1 (NF1). Also called: Peripheral type neurofibromatosis; VON RECKLINGHAUSEN DISEASE; NEUROFIBROMATOSIS, TYPE I, SOMATIC; Neurofibromatosis, type I. Identifiers: Orphanet 636, MedGen C0027831, MONDO:0018975, OMIM 162200. Disease mechanism: loss of function.

Submission:

Labcorp Genetics (formerly Invitae), Labcorp
Classification: Pathogenic for Neurofibromatosis, type 1. Last evaluated: 2019-08-09. Review status: criteria provided, single submitter. Criteria: Invitae Variant Classification Sherloc (09022015). Collection method: clinical testing. Allele origin: germline.
Comment: This sequence change creates a premature translational stop signal (p.Ser2288Phefs*18) in the NF1 gene. It is expected to result in an absent or disrupted protein product. This variant is not present in population databases (ExAC no frequency). This variant has not been reported in the literature in individuals with NF1-related conditions. Loss-of-function variants in NF1 are known to be pathogenic (PMID: 10712197, 23913538). For these reasons, this variant has been classified as Pathogenic.

Literature cited by the submitters: PubMed 10712197; PubMed 23913538.